The following is an entry in ClinVar:

ClinVar aggregate classification (germline): Uncertain significance (1 of 4 stars; one submission).

gnomAD v4.1: 1 of 1,613,254 alleles (0.000062%); highest among the groups gnomAD compares: Admixed American, 0.0017%; no homozygotes.

Submission:

Athena Diagnostics
Classification: Uncertain significance. Last evaluated: 2023-10-23. Review status: criteria provided, single submitter. Criteria: Athena Diagnostics Criteria. Collection method: clinical testing. Allele origin: unknown.
Comment: Available data are insufficient to determine the clinical significance of the variant at this time. The frequency of this variant in the general population is uninformative in assessment of its pathogenicity. Computational tools disagree on the variant's effect on normal protein function.

NM_201384.3(PLEC):c.1013G>C (p.Arg338Thr)

Gene: PLEC (plectin; minus strand). Cytogenetic location: 8q24.3.
Variant type: single nucleotide variant.
Coding change: c.1013G>C on transcript NM_201384.3 (MANE Select); coding-DNA position 1013, G replaced by C.
Protein change: p.Arg338Thr; replaces arginine 338 with threonine.
Molecular consequence: missense variant.
Genome position (GRCh38, 1-based): chr8:143,934,663, C>G on the plus strand (G>C on the coding strand, the complement: PLEC is on the minus strand). VCF-style: chr8-143934663-C-G. GRCh37 (hg19) VCF-style: chr8-145008831-C-G.
Other names: c.1094G>C, p.Arg365Thr (NM_000445.5, NM_001410941.1); c.971G>C, p.Arg324Thr (NM_201378.4); c.947G>C, p.Arg316Thr (NM_201379.3); c.1424G>C, p.Arg475Thr (NM_201380.4); c.917G>C, p.Arg306Thr (NM_201381.3); c.1013G>C, p.Arg338Thr (NM_201382.4); c.1025G>C, p.Arg342Thr (NM_201383.3); short protein forms R306T, R316T, R338T, R365T, R324T, R342T, R475T.
Identifiers: ClinVar variation 3571894 (VCV003571894.1).
Genomic context (GRCh38, chr8:143,934,663, plus strand): 5'-ACACCACCCACCCCTCCAGCGGTCCCACTCACCTCCAGGGATTGGTAGATGCCCTTGGAC[C>G]TGTTCTTGTCGGCCTCCTTGGCTGGTAGCTCCATCTCCTTAAACTTCAGGAACTGAGACC-3'
Protein context (NP_958786.1, residues 328-348): ELPAKEADKN[Arg338Thr]SKGIYQSLEG